The following is an entry in ClinVar:

NM_000083.3(CLCN1):c.854-2A>G

Gene: CLCN1 (chloride voltage-gated channel 1; plus strand). Cytogenetic location: 7q34.
Variant type: single nucleotide variant.
Coding change: c.854-2A>G on transcript NM_000083.3 (MANE Select); the canonical splice acceptor site of the intron before coding-DNA position 854, A replaced by G.
Molecular consequence: splice acceptor variant.
Genome position (GRCh38, 1-based): chr7:143,330,770, A>G. VCF-style: chr7-143330770-A-G. GRCh37 (hg19) VCF-style: chr7-143027863-A-G.
Identifiers: ClinVar variation 1432751 (VCV001432751.8), dbSNP rs1802699135, ClinGen allele CA369641484.

ClinVar aggregate classification (germline): Pathogenic (1 of 4 stars; one submission).

Conditions:
Congenital myotonia, autosomal recessive form. Also called: BECKER DISEASE; Becker Generalized Myotonia; myotonia congenita, autosomal recessive. Identifiers: Orphanet 614, MedGen C0751360, MONDO:0009715, OMIM 255700.
Congenital myotonia, autosomal dominant form (THD). Also called: THOMSEN DISEASE; Myotonia congenita autosomal dominant. Identifiers: Orphanet 614, MedGen C2936781, MONDO:0008055, OMIM 160800.

Allele frequency attached by ClinVar (database versions not stated): TOPMed below 0.00001; gnomAD 0.00001.

Submission:

Labcorp Genetics (formerly Invitae), Labcorp
Classification: Pathogenic for Congenital myotonia, autosomal recessive form; Congenital myotonia, autosomal dominant form. Last evaluated: 2021-05-11. Review status: criteria provided, single submitter. Criteria: Invitae Variant Classification Sherloc (09022015). Collection method: clinical testing. Allele origin: germline.
Comment: This sequence change affects an acceptor splice site in intron 7 of the CLCN1 gene. It is expected to disrupt RNA splicing. Variants that disrupt the donor or acceptor splice site typically lead to a loss of protein function (PMID: 16199547), and loss-of-function variants in CLCN1 are known to be pathogenic (PMID: 17932099, 22094069, 23739125). This variant is not present in population databases (ExAC no frequency). This variant has been observed in individual(s) with autosomal recessive myotonia congenita (Invitae). In at least one individual the data is consistent with the variant being in trans (on the opposite chromosome) from a pathogenic variant. For these reasons, this variant has been classified as Pathogenic. Algorithms developed to predict the effect of sequence changes on RNA splicing suggest that this variant may disrupt the consensus splice site, but this prediction has not been confirmed by published transcriptional studies.

Literature cited by the submitters: PubMed 16199547; PubMed 17932099; PubMed 22094069; PubMed 23739125.